The following is an entry in ClinVar:

ClinVar aggregate classification (germline): Uncertain significance (1 of 4 stars; one submission).

Conditions:
Epidermolysis bullosa simplex, Ogna type (EBS5A). Also called: Pidermolysis bullosa simplex 5A, Ogna type; EPIDERMOLYSIS BULLOSA SIMPLEX 5A, OGNA TYPE. Identifiers: Orphanet 79401, MedGen C0432317, MONDO:0007555, OMIM 131950.
Epidermolysis bullosa simplex 5C, with pyloric atresia (EBS5C). Also called: Epidermolysis bullosa simplex with pyloric atresia; PLEC-Related Epidermolysis Bullosa with Pyloric Atresia; PLEC1-Related Epidermolysis Bullosa with Pyloric Atresia. Identifiers: Orphanet 158684, MedGen C2677349, MONDO:0012807, OMIM 612138.
Epidermolysis bullosa simplex with nail dystrophy (EBS5D). Identifiers: MedGen C4225309, MONDO:0014661, OMIM 616487.
Epidermolysis bullosa simplex 5B, with muscular dystrophy (EBS5B). Also called: EPIDERMOLYSIS BULLOSA SIMPLEX AND LIMB-GIRDLE MUSCULAR DYSTROPHY; Epidermolysis bullosa simplex with muscular dystrophy. Identifiers: Orphanet 257, MedGen C2931072, MONDO:0009181, OMIM 226670.
Autosomal recessive limb-girdle muscular dystrophy type 2Q (LGMDR17). Also called: MUSCULAR DYSTROPHY, LIMB-GIRDLE, AUTOSOMAL RECESSIVE 17. Identifiers: Orphanet 254361, MedGen C3150989, MONDO:0013390, OMIM 613723.

Submission:

Labcorp Genetics (formerly Invitae), Labcorp
Classification: Uncertain significance for Autosomal recessive limb-girdle muscular dystrophy type 2Q; Epidermolysis bullosa simplex, Ogna type; Epidermolysis bullosa simplex with nail dystrophy; Epidermolysis bullosa simplex 5C, with pyloric atresia; Epidermolysis bullosa simplex 5B, with muscular dystrophy. Last evaluated: 2018-12-27. Review status: criteria provided, single submitter. Criteria: Invitae Variant Classification Sherloc (09022015). Collection method: clinical testing. Allele origin: germline.
Comment: This sequence change replaces glycine with glutamic acid at codon 3766 of the PLEC protein (p.Gly3766Glu). The glycine residue is moderately conserved and there is a moderate physicochemical difference between glycine and glutamic acid. This variant is not present in population databases (ExAC no frequency). This variant has not been reported in the literature in individuals with PLEC-related conditions. Algorithms developed to predict the effect of missense changes on protein structure and function are either unavailable or do not agree on the potential impact of this missense change (SIFT: "Tolerated"; PolyPhen-2: "Possibly Damaging"; Align-GVGD: "Class C0"). In summary, the available evidence is currently insufficient to determine the role of this variant in disease. Therefore, it has been classified as a Variant of Uncertain Significance.

NM_201384.3(PLEC):c.11216G>A (p.Gly3739Glu)

Gene: PLEC (plectin; minus strand). Cytogenetic location: 8q24.3.
Variant type: single nucleotide variant.
Coding change: c.11216G>A on transcript NM_201384.3 (MANE Select); coding-DNA position 11216, G replaced by A.
Protein change: p.Gly3739Glu; replaces glycine 3739 with glutamic acid.
Molecular consequence: missense variant.
Genome position (GRCh38, 1-based): chr8:143,918,605, C>T on the plus strand (G>A on the coding strand, the complement: PLEC is on the minus strand). VCF-style: chr8-143918605-C-T. GRCh37 (hg19) VCF-style: chr8-144992773-C-T.
Other names: c.11297G>A, p.Gly3766Glu (NM_000445.5); c.11174G>A, p.Gly3725Glu (NM_201378.4); c.11150G>A, p.Gly3717Glu (NM_201379.3); c.11627G>A, p.Gly3876Glu (NM_201380.4); c.11120G>A, p.Gly3707Glu (NM_201381.3); c.11216G>A, p.Gly3739Glu (NM_201382.4); c.11228G>A, p.Gly3743Glu (NM_201383.3); short protein forms G3725E, G3739E, G3717E, G3876E, G3707E, G3766E, G3743E.
Identifiers: ClinVar variation 650398 (VCV000650398.9), dbSNP rs1586784543, ClinGen allele CA372493795.